The following is an entry in ClinVar:

NM_001130009.3(GEN1):c.173T>C (p.Phe58Ser)

Gene: GEN1 (GEN1 Holliday junction 5' flap endonuclease; plus strand). Cytogenetic location: 2p24.2.
Variant type: single nucleotide variant.
Coding change: c.173T>C on transcript NM_001130009.3 (MANE Select); coding-DNA position 173, T replaced by C.
Protein change: p.Phe58Ser; replaces phenylalanine 58 with serine.
Molecular consequence: missense variant.
Genome position (GRCh38, 1-based): chr2:17,761,407, T>C. VCF-style: chr2-17761407-T-C. GRCh37 (hg19) VCF-style: chr2-17942674-T-C.
Other names: c.173T>C, p.Phe58Ser (NM_182625.5); short protein forms F58S.
Identifiers: ClinVar variation 4029221 (VCV004029221.1).

ClinVar aggregate classification (germline): Uncertain significance (1 of 4 stars; one submission).

Submission:

Ambry Genetics
Classification: Uncertain significance. Last evaluated: 2025-04-12. Review status: criteria provided, single submitter. Criteria: Ambry Variant Classification Scheme 2023. Collection method: clinical testing. Allele origin: germline.
Comment: The p.F58S variant (also known as c.173T>C), located in coding exon 2 of the GEN1 gene, results from a T to C substitution at nucleotide position 173. The phenylalanine at codon 58 is replaced by serine, an amino acid with highly dissimilar properties. This amino acid position is conserved. In addition, this alteration is predicted to be deleterious by in silico analysis. Based on the available evidence, the clinical significance of this variant remains unclear.